The following is an entry in ClinVar:

ClinVar aggregate classification (germline): Conflicting classifications of pathogenicity. Review status: criteria provided, conflicting classifications (1 of 4 stars). 3 submissions from 3 submitters: Uncertain significance (1); Likely benign (2). Last evaluated 2025-11-12.

Conditions:
Hereditary cancer-predisposing syndrome. Also called: Neoplastic Syndromes, Hereditary; Tumor predisposition; Hereditary neoplastic syndrome; Hereditary Cancer Syndrome. Identifiers: Orphanet 140162, MedGen C0027672, MeSH D009386, MONDO:0015356.
Hereditary diffuse gastric adenocarcinoma (HDGC). Also called: DIFFUSE GASTRIC AND LOBULAR BREAST CANCER SYNDROME. Identifiers: Orphanet 26106, MedGen C1708349, MONDO:0007648, OMIM 137215.

Allele frequency attached by ClinVar (database versions not stated): gnomAD exomes below 0.00001.
gnomAD v4.1: 1 of 1,614,018 alleles (0.000062%); highest among the groups gnomAD compares: Non-Finnish European, 0.000085%; no homozygotes.

Submissions (3):

Labcorp Genetics (formerly Invitae), Labcorp
Classification: Likely benign for Hereditary diffuse gastric adenocarcinoma. Last evaluated: 2025-11-12. Review status: criteria provided, single submitter. Criteria: Invitae Variant Classification Sherloc (09022015). Collection method: clinical testing. Allele origin: germline.

Ambry Genetics
Classification: Likely benign for Hereditary cancer-predisposing syndrome. Last evaluated: 2022-06-13. Review status: criteria provided, single submitter. Criteria: Ambry Variant Classification Scheme 2023. Collection method: clinical testing. Allele origin: germline.

Color Diagnostics, LLC DBA Color Health
Classification: Uncertain significance for Hereditary cancer-predisposing syndrome. Last evaluated: 2022-05-16. Review status: criteria provided, single submitter. Criteria: ACMG Guidelines, 2015. Collection method: clinical testing. Allele origin: germline.
Comment: This variant causes an A to G nucleotide substitution at the -4 position of intron 14 of the CDH1 gene. To our knowledge, RNA studies have not been reported for this variant. This variant has not been reported in individuals affected with hereditary cancer in the literature. This variant has been identified in 1/251348 chromosomes in the general population by the Genome Aggregation Database (gnomAD). The available evidence is insufficient to determine the role of this variant in disease conclusively. Therefore, this variant is classified as a Variant of Uncertain Significance.

NM_004360.5(CDH1):c.2296-4A>G

Gene: CDH1 (cadherin 1; plus strand). Cytogenetic location: 16q22.1.
Variant type: single nucleotide variant.
Coding change: c.2296-4A>G on transcript NM_004360.5 (MANE Select); 4 bases into the intron before coding-DNA position 2296, A replaced by G.
Molecular consequence: intron variant.
Genome position (GRCh38, 1-based): chr16:68,829,650, A>G. VCF-style: chr16-68829650-A-G. GRCh37 (hg19) VCF-style: chr16-68863553-A-G.
Other names: c.748-4A>G (NM_001317185.2); c.331-4A>G (NM_001317186.2); c.2113-4A>G (NM_001317184.2).
Identifiers: ClinVar variation 1789170 (VCV001789170.6), dbSNP rs1185308299, ClinGen allele CA623137535.